The following is an entry in ClinVar:

NM_000170.3(GLDC):c.594T>A (p.Asp198Glu)

Gene: GLDC (glycine decarboxylase; minus strand). Cytogenetic location: 9p24.1.
Variant type: single nucleotide variant.
Coding change: c.594T>A on transcript NM_000170.3 (MANE Select); coding-DNA position 594, T replaced by A.
Protein change: p.Asp198Glu; replaces aspartic acid 198 with glutamic acid.
Molecular consequence: missense variant.
Genome position (GRCh38, 1-based): chr9:6,610,233, A>T on the plus strand (T>A on the coding strand, the complement: GLDC is on the minus strand). VCF-style: chr9-6610233-A-T. GRCh37 (hg19) VCF-style: chr9-6610233-A-T.
Other names: short protein forms D198E.
Identifiers: ClinVar variation 2735255 (VCV002735255.5), dbSNP rs1587964981, ClinGen allele CA372898252.

ClinVar aggregate classification (germline): Likely pathogenic. Review status: criteria provided, multiple submitters, no conflicts (2 of 4 stars). 2 submissions from 2 submitters: Likely pathogenic (2). Last evaluated 2025-05-05.

Conditions:
Glycine encephalopathy. Also called: Nonketotic hyperglycinemia; Non-ketotic hyperglycinemia. Identifiers: Orphanet 407, MedGen C0751748, MONDO:0011612, HP:0008288.

Allele frequency attached by ClinVar (database versions not stated): gnomAD exomes below 0.00001.
gnomAD v4.1: 1 of 1,613,696 alleles (0.000062%); highest among the groups gnomAD compares: Non-Finnish European, 0.000085%; no homozygotes.

Submissions (2):

Natera, Inc.
Classification: Likely pathogenic for Non-ketotic hyperglycinemia. Last evaluated: 2025-05-05. Review status: criteria provided, single submitter. Criteria: Natera Variant Classification Schema (03/2026). Collection method: clinical testing. Allele origin: germline.
Comment: The c.594T>A variant in GLDC is a missense variant predicted to cause substitution of aspartic acid to glutamic acid at amino acid 198. This variant is rare in the general population with a frequency below the threshold expected for the associated phenotype(s). This variant has been observed in one or more individuals affected with the associated recessive disease, as either homozygous or compound heterozygous with a second variant (PMID: 27362913). This variant has been identified in one or more affected individuals with a phenotype highly consistent with the associated gene (PMID: 27362913). Computational prediction algorithms indicate this variant is likely to affect gene or protein function. Given the available evidence, this variant is classified as Likely Pathogenic.

Labcorp Genetics (formerly Invitae), Labcorp
Classification: Likely pathogenic for Glycine encephalopathy. Last evaluated: 2023-12-26. Review status: criteria provided, single submitter. Criteria: Invitae Variant Classification Sherloc (09022015). Collection method: clinical testing. Allele origin: germline.
Comment: This sequence change replaces aspartic acid, which is acidic and polar, with glutamic acid, which is acidic and polar, at codon 198 of the GLDC protein (p.Asp198Glu). This variant is not present in population databases (gnomAD no frequency). This missense change has been observed in individual(s) with clinical features of GDLC-related conditions (PMID: 27362913). In at least one individual the data is consistent with being in trans (on the opposite chromosome) from a pathogenic variant. Advanced modeling of protein sequence and biophysical properties (such as structural, functional, and spatial information, amino acid conservation, physicochemical variation, residue mobility, and thermodynamic stability) has been performed at Invitae for this missense variant, however the output from this modeling did not meet the statistical confidence thresholds required to predict the impact of this variant on GLDC protein function. This variant disrupts the p.Asp198 amino acid residue in GLDC. Other variant(s) that disrupt this residue have been observed in individuals with GLDC-related conditions (PMID: 24838951), which suggests that this may be a clinically significant amino acid residue. In summary, the currently available evidence indicates that the variant is pathogenic, but additional data are needed to prove that conclusively. Therefore, this variant has been classified as Likely Pathogenic.

Literature cited by the submitters: PubMed 27362913 (cited by Natera, Inc. and Labcorp Genetics (formerly Invitae), Labcorp); PubMed 24838951 (cited by Labcorp Genetics (formerly Invitae), Labcorp).